The following is an entry in ClinVar:

NM_002666.5(PLIN1):c.812C>T (p.Ala271Val)

Gene: PLIN1 (perilipin 1; minus strand). Cytogenetic location: 15q26.1.
Variant type: single nucleotide variant.
Coding change: c.812C>T on transcript NM_002666.5 (MANE Select); coding-DNA position 812, C replaced by T.
Protein change: p.Ala271Val; replaces alanine 271 with valine.
Molecular consequence: missense variant.
Genome position (GRCh38, 1-based): chr15:89,667,753, G>A on the plus strand (C>T on the coding strand, the complement: PLIN1 is on the minus strand). VCF-style: chr15-89667753-G-A. GRCh37 (hg19) VCF-style: chr15-90210984-G-A.
Other names: c.812C>T, p.Ala271Val (NM_001145311.2); short protein forms A271V.
Identifiers: ClinVar variation 129974 (VCV000129974.9), dbSNP rs58361219, ClinGen allele CA154704.
Genomic context (GRCh38, chr15:89,667,753, plus strand): 5'-TGGGCGGCTGCGAGGCTGTGCAGCCAGGGTACCCGCACTTCGCTCCTCCGCCGGGACACC[G>A]CCTGCATGGCCACTGAGGCACCCCACTGGGCCAGGCTGCTCTGAGGGAGGATGGCAGCAG-3'
Protein context (NP_002657.3, residues 261-281): AQWGASVAMQ[Ala271Val]VSRRRSEVRV

ClinVar aggregate classification (germline): Benign. Review status: criteria provided, multiple submitters, no conflicts (2 of 4 stars). 3 submissions from 3 submitters: Benign (2). 1 of the submissions does not count toward it. Last evaluated 2018-10-12.

Conditions:
Monogenic diabetes. Identifiers: Orphanet 183625, MedGen C3888631, MONDO:0015967.

Allele frequency attached by ClinVar (database versions not stated): gnomAD exomes 0.00155; ExAC 0.00372; gnomAD 0.00582 and 0.00633; ESP Exome Variant Server 0.00612; 1000 Genomes Project 0.00639; TOPMed 0.00670; 1000 Genomes Project 30x 0.00750.
gnomAD v4.1: 1,832 of 1,563,944 alleles (0.12%); highest among the groups gnomAD compares: African/African-American, 2.2%; 13 homozygotes.

Submissions (3):

Personalized Diabetes Medicine Program, University of Maryland School of Medicine
Classification: Benign for Monogenic diabetes. Last evaluated: 2018-10-12. Review status: criteria provided, single submitter. Criteria: ACMG Guidelines, 2015. Collection method: research. Allele origin: unknown. Observed: 2 variant alleles, 2 heterozygotes.
Comment: ACMG criteria: BP4 (REVEL 0.063 + 9 predictors), BA1 (2% in gnomAD African), BS2 (33 cases and 31 controls in T2DM): benign

Breakthrough Genomics
Classification: Benign. Review status: criteria provided, single submitter. Criteria: ACMG Guidelines, 2015. Collection method: not provided. Allele origin: germline. Inheritance: Autosomal dominant inheritance. Affected: yes.

Genetic Services Laboratory, University of Chicago
Classification: Likely benign for AllHighlyPenetrant. Review status: no assertion criteria provided. Collection method: clinical testing. Allele origin: germline. Inheritance: Autosomal dominant inheritance. Not counted in ClinVar's aggregate classification.
Comment: Likely benign based on allele frequency in 1000 Genomes Project or ESP global frequency and its presence in a patient with a rare or unrelated disease phenotype. NOT Sanger confirmed.